The following is an entry in ClinVar:

ClinVar aggregate classification (germline): Uncertain significance (1 of 4 stars; one submission).

Submission:

Labcorp Genetics (formerly Invitae), Labcorp
Classification: Uncertain significance. Last evaluated: 2024-07-23. Review status: criteria provided, single submitter. Criteria: Invitae Variant Classification Sherloc (09022015). Collection method: clinical testing. Allele origin: germline.
Comment: This sequence change replaces threonine, which is neutral and polar, with lysine, which is basic and polar, at codon 1412 of the CUL7 protein (p.Thr1412Lys). Information on the frequency of this variant in the gnomAD database is not available, as this variant may be reported differently in the database. This variant has not been reported in the literature in individuals affected with CUL7-related conditions. An algorithm developed to predict the effect of missense changes on protein structure and function (PolyPhen-2) suggests that this variant is likely to be tolerated. In summary, the available evidence is currently insufficient to determine the role of this variant in disease. Therefore, it has been classified as a Variant of Uncertain Significance.

NM_014780.5(CUL7):c.4235_4236delinsAG (p.Thr1412Lys)

Gene: CUL7 (cullin 7; minus strand). Cytogenetic location: 6p21.1.
Variant type: Indel.
Coding change: c.4235_4236delinsAG on transcript NM_014780.5 (MANE Select); coding-DNA positions 4235 to 4236, CC replaced by AG.
Protein change: p.Thr1412Lys; replaces threonine 1412 with lysine.
Molecular consequence: missense variant.
Genome position (GRCh38, 1-based): chr6:43,040,214-43,040,215, GG replaced by CT on the plus strand (CC replaced by AG on the coding strand, the reverse complement: CUL7 is on the minus strand). VCF-style: chr6-43040214-GG-CT. GRCh37 (hg19) VCF-style: chr6-43007952-GG-CT.
Other names: c.4331_4332delinsAG, p.Thr1444Lys (NM_001168370.2, NM_001374872.1); c.4235_4236delinsAG, p.Thr1412Lys (NM_001374873.1); c.4232_4233delinsAG, p.Thr1411Lys (NM_001374874.1); short protein forms T1412K, T1411K, T1444K.
Identifiers: ClinVar variation 3660263 (VCV003660263.2).